The following is an entry in ClinVar:

NM_000038.6(APC):c.4760C>A (p.Ser1587Ter)

Gene: APC (APC regulator of Wnt signaling pathway; plus strand). Cytogenetic location: 5q22.2.
Variant type: single nucleotide variant.
Coding change: c.4760C>A on transcript NM_000038.6 (MANE Select); coding-DNA position 4760, C replaced by A.
Protein change: p.Ser1587Ter; replaces serine 1587 with a stop codon.
Molecular consequence: nonsense.
Genome position (GRCh38, 1-based): chr5:112,840,354, C>A. VCF-style: chr5-112840354-C-A. GRCh37 (hg19) VCF-style: chr5-112176051-C-A.
Other names: c.4760C>A, p.Ser1587Ter (NM_001127510.3, NM_001354895.2); c.4706C>A, p.Ser1569Ter (NM_001127511.3); c.4814C>A, p.Ser1605Ter (NM_001354896.2); c.4790C>A, p.Ser1597Ter (NM_001354897.2); c.4685C>A, p.Ser1562Ter (NM_001354898.2); c.4676C>A, p.Ser1559Ter (NM_001354899.2); c.4637C>A, p.Ser1546Ter (NM_001354900.2); c.4583C>A, p.Ser1528Ter (NM_001354901.2); and 5 more; short protein forms S1496*, S1528*, S1559*, S1605*, S1304*, S1427*, S1461*, S1486*.
Identifiers: ClinVar variation 844002 (VCV000844002.12), dbSNP rs1765760073, ClinGen allele CA16031769.

ClinVar aggregate classification (germline): Pathogenic. Review status: criteria provided, multiple submitters, no conflicts (2 of 4 stars). 2 submissions from 2 submitters: Pathogenic (2). Last evaluated 2025-03-07.

Conditions:
Familial adenomatous polyposis 1 (FAP1). Also called: FAMILIAL ADENOMATOUS POLYPOSIS 1, ATTENUATED; POLYPOSIS, ADENOMATOUS INTESTINAL. Identifiers: MedGen C2713442, MONDO:0021056, OMIM 175100. Disease mechanism: loss of function.

Submissions (2):

Labcorp Genetics (formerly Invitae), Labcorp
Classification: Pathogenic for Familial adenomatous polyposis 1. Last evaluated: 2025-03-07. Review status: criteria provided, single submitter. Criteria: Invitae Variant Classification Sherloc (09022015). Collection method: clinical testing. Allele origin: germline.
Comment: This sequence change creates a premature translational stop signal (p.Ser1587*) in the APC gene. While this is not anticipated to result in nonsense mediated decay, it is expected to disrupt the last 1257 amino acid(s) of the APC protein. This variant is not present in population databases (gnomAD no frequency). This variant has not been reported in the literature in individuals affected with APC-related conditions. ClinVar contains an entry for this variant (Variation ID: 844002). This variant is expected to disrupt the EB1 and HDLG binding sites, which mediate interactions with the cytoskeleton (PMID: 15311282, 17293347). While functional studies have not been performed to directly test the effect on APC protein function, this suggests that disruption of the C-terminal portion of the protein is functionally important. A different truncation (p.Tyr2645Lysfs*14) that lies downstream of this variant has been determined to be pathogenic (PMID: 9824584, 1316610, 27081525, 8381579, 22135120, internal data). This suggests that deletion of this region of the APC protein is causative of disease. For these reasons, this variant has been classified as Pathogenic.

Myriad Genetics, Inc.
Classification: Pathogenic for Familial adenomatous polyposis 1. Last evaluated: 2023-05-11. Review status: criteria provided, single submitter. Criteria: Myriad Autosomal Dominant, Autosomal Recessive and X-Linked Classification Criteria (2023). Collection method: clinical testing. Allele origin: unknown.
Comment: This variant is considered pathogenic. This variant creates a termination codon and is predicted to result in premature protein truncation.

Literature cited by the submitters: PubMed 15311282 (cited by Labcorp Genetics (formerly Invitae), Labcorp); PubMed 17293347 (cited by Labcorp Genetics (formerly Invitae), Labcorp); PubMed 9824584 (cited by Labcorp Genetics (formerly Invitae), Labcorp); PubMed 1316610 (cited by Labcorp Genetics (formerly Invitae), Labcorp); PubMed 27081525 (cited by Labcorp Genetics (formerly Invitae), Labcorp); PubMed 8381579 (cited by Labcorp Genetics (formerly Invitae), Labcorp); PubMed 22135120 (cited by Labcorp Genetics (formerly Invitae), Labcorp).